The following is an entry in ClinVar:

ClinVar aggregate classification (germline): Uncertain significance (1 of 4 stars; one submission).

Conditions:
Developmental and epileptic encephalopathy, 31A. Also called: Epileptic encephalopathy, early infantile, 31; Developmental and epileptic encephalopathy, 31. Identifiers: Orphanet 2382, MedGen C4225357, MONDO:0014598, OMIM 616346.

Submission:

Labcorp Genetics (formerly Invitae), Labcorp
Classification: Uncertain significance for Developmental and epileptic encephalopathy, 31A. Last evaluated: 2023-03-04. Review status: criteria provided, single submitter. Criteria: Invitae Variant Classification Sherloc (09022015). Collection method: clinical testing. Allele origin: germline.
Comment: In summary, the available evidence is currently insufficient to determine the role of this variant in disease. Therefore, it has been classified as a Variant of Uncertain Significance. Advanced modeling of protein sequence and biophysical properties (such as structural, functional, and spatial information, amino acid conservation, physicochemical variation, residue mobility, and thermodynamic stability) has been performed at Invitae for this missense variant, however the output from this modeling did not meet the statistical confidence thresholds required to predict the impact of this variant on DNM1 protein function. This variant has not been reported in the literature in individuals affected with DNM1-related conditions. This variant is not present in population databases (gnomAD no frequency). This sequence change replaces proline, which is neutral and non-polar, with arginine, which is basic and polar, at codon 769 of the DNM1 protein (p.Pro769Arg).

NM_004408.4(DNM1):c.2306C>G (p.Pro769Arg)

Genes: DNM1 (dynamin 1; plus strand), LOC130002698 (ATAC-STARR-seq lymphoblastoid silent region 20332; plus strand). Cytogenetic location: 9q34.11.
Variant type: single nucleotide variant.
Coding change: c.2306C>G on transcript NM_004408.4 (MANE Select); coding-DNA position 2306, C replaced by G.
Protein change: p.Pro769Arg; replaces proline 769 with arginine.
Molecular consequence: missense variant.
Genome position (GRCh38, 1-based): chr9:128,250,344, C>G. VCF-style: chr9-128250344-C-G. GRCh37 (hg19) VCF-style: chr9-131012623-C-G.
Other names: c.2306C>G, p.Pro769Arg (NM_001374269.1, NM_001005336.3, NM_001288737.2 and 2 more transcripts); short protein forms P769R.
Identifiers: ClinVar variation 2843093 (VCV002843093.3), dbSNP rs2539123674, ClinGen allele CA375001328.